The following is an entry in ClinVar:

ClinVar aggregate classification (germline): Pathogenic (1 of 4 stars; one submission).

Submission:

Labcorp Genetics (formerly Invitae), Labcorp
Classification: Pathogenic. Last evaluated: 2025-09-30. Review status: criteria provided, single submitter. Criteria: Invitae Variant Classification Sherloc (09022015). Collection method: clinical testing. Allele origin: germline.
Comment: This sequence change creates a premature translational stop signal (p.Glu148*) in the ATR gene. It is expected to result in an absent or disrupted protein product. Loss-of-function variants in ATR are known to be pathogenic (PMID: 21228398, 23144622). This variant is not present in population databases (gnomAD no frequency). This variant has not been reported in the literature in individuals affected with ATR-related conditions. Algorithms developed to predict the effect of sequence changes on RNA splicing suggest that this variant may disrupt the consensus splice site. For these reasons, this variant has been classified as Pathogenic.

Literature cited by the submitters: PubMed 21228398; PubMed 23144622.

NM_001184.4(ATR):c.442G>T (p.Glu148Ter)

Gene: ATR (ATR checkpoint kinase; minus strand). Cytogenetic location: 3q23.
Variant type: single nucleotide variant.
Coding change: c.442G>T on transcript NM_001184.4 (MANE Select); coding-DNA position 442, G replaced by T.
Protein change: p.Glu148Ter; replaces glutamic acid 148 with a stop codon.
Molecular consequence: nonsense.
Genome position (GRCh38, 1-based): chr3:142,562,960, C>A on the plus strand (G>T on the coding strand, the complement: ATR is on the minus strand). VCF-style: chr3-142562960-C-A. GRCh37 (hg19) VCF-style: chr3-142281802-C-A.
Other names: c.442G>T, p.Glu148Ter (NM_001354579.2); short protein forms E148*.
Identifiers: ClinVar variation 4762884 (VCV004762884.1).